The following is an entry in ClinVar:

ClinVar aggregate classification (germline): Uncertain significance (1 of 4 stars; one submission).

Conditions:
HNF1B-related disorder. Also called: HNF1B-related condition; HNF1B-related disorders.

Submission:

PreventionGenetics, part of Exact Sciences
Classification: Uncertain significance for HNF1B-related condition. Last evaluated: 2026-04-25. Review status: criteria provided, single submitter. Criteria: ACMG Guidelines, 2015. Collection method: clinical testing. Allele origin: germline.
Comment: The HNF1B c.992C>T variant is predicted to result in the amino acid substitution p.Ser331Phe. To our knowledge, this variant has not been reported in the literature or in a large population database (gnomAD), indicating this variant is rare. At this time, the clinical significance of this variant is uncertain due to the absence of conclusive functional and genetic evidence.

NM_000458.4(HNF1B):c.992C>T (p.Ser331Phe)

Gene: HNF1B (HNF1 homeobox B; minus strand). Cytogenetic location: 17q12.
Variant type: single nucleotide variant.
Coding change: c.992C>T on transcript NM_000458.4 (MANE Select); coding-DNA position 992, C replaced by T.
Protein change: p.Ser331Phe; replaces serine 331 with phenylalanine.
Molecular consequence: missense variant.
Genome position (GRCh38, 1-based): chr17:37,731,648, G>A on the plus strand (C>T on the coding strand, the complement: HNF1B is on the minus strand). VCF-style: chr17-37731648-G-A. GRCh37 (hg19) VCF-style: chr17-36091639-G-A.
Other names: c.914C>T, p.Ser305Phe (NM_001165923.4, NM_001304286.2); c.992C>T, p.Ser331Phe (NM_001411100.1); short protein forms S305F, S331F.
Identifiers: ClinVar variation 4990904 (VCV004990904.1).